The following is an entry in ClinVar:

ClinVar aggregate classification (germline): Pathogenic (1 of 4 stars; one submission).

Conditions:
Carnitine palmitoyl transferase 1A deficiency. Also called: Carnitine palmitoyltransferase 1A deficiency; Carnitine palmitoyltransferase type I deficiency; CPT deficiency, hepatic, type IA; CPT I DEFICIENCY; CPT DEFICIENCY, HEPATIC, TYPE I. Identifiers: Orphanet 156, MedGen C1829703, MONDO:0009705, OMIM 255120.

Submission:

Labcorp Genetics (formerly Invitae), Labcorp
Classification: Pathogenic for Carnitine palmitoyl transferase 1A deficiency. Last evaluated: 2023-11-17. Review status: criteria provided, single submitter. Criteria: Invitae Variant Classification Sherloc (09022015). Collection method: clinical testing. Allele origin: unknown.
Comment: This variant is a gross deletion of the genomic region encompassing exon(s) 15-19 of the CPT1A gene, which includes the termination codon. This deletion extends beyond the assayed region for this gene and therefore may encompass additional genes. While this deletion is not anticipated to lead to nonsense mediated decay, it is expected to alter mRNA translation or result in a truncated protein product. This variant has not been reported in the literature in individuals affected with CPT1A-related conditions. This variant disrupts a region of the CPT1A protein in which other variant(s) (p.Ser687Arg) have been determined to be pathogenic (Invitae). This suggests that this is a clinically significant region of the protein, and that variants that disrupt it are likely to be disease-causing. For these reasons, this variant has been classified as Pathogenic.

NC_000011.9:g.(?_68525112)_(68530249_?)del

Gene: CPT1A (carnitine palmitoyltransferase 1A; minus strand). Cytogenetic location: 11q13.3.
Variant type: Deletion.
Identifiers: ClinVar variation 3244610 (VCV003244610.1).